The following is an entry in ClinVar:

ClinVar aggregate classification (germline): Pathogenic (1 of 4 stars; one submission).

Conditions:
Spastic paraplegia. Identifiers: MedGen C0037772, HP:0001258.

Allele frequency attached by ClinVar (database versions not stated): gnomAD exomes below 0.00001.

Submission:

Labcorp Genetics (formerly Invitae), Labcorp
Classification: Pathogenic for Spastic paraplegia. Last evaluated: 2023-02-22. Review status: criteria provided, single submitter. Criteria: Invitae Variant Classification Sherloc (09022015). Collection method: clinical testing. Allele origin: germline.
Comment: This sequence change creates a premature translational stop signal (p.Leu2730Profs*12) in the SACS gene. While this is not anticipated to result in nonsense mediated decay, it is expected to disrupt the last 1850 amino acid(s) of the SACS protein. This variant is not present in population databases (gnomAD no frequency). This variant has not been reported in the literature in individuals affected with SACS-related conditions. For these reasons, this variant has been classified as Pathogenic. This variant disrupts a region of the SACS protein in which other variant(s) (p.Asn4549Asp) have been determined to be pathogenic (PMID: 15156359, 21507954). This suggests that this is a clinically significant region of the protein, and that variants that disrupt it are likely to be disease-causing.

Literature cited by the submitters: PubMed 15156359; PubMed 21507954.

NM_014363.6(SACS):c.8189_8190del (p.Leu2730fs)

Gene: SACS (sacsin molecular chaperone; minus strand). Cytogenetic location: 13q12.12.
Variant type: Deletion.
Coding change: c.8189_8190del on transcript NM_014363.6 (MANE Select); coding-DNA positions 8189 to 8190, 2 bases deleted (TG; older notation c.8189_8190delTG).
Protein change: p.Leu2730fs; shifts the reading frame from leucine 2730.
Molecular consequence: frameshift variant.
Genome position (GRCh38, 1-based): chr13:23,335,686-23,335,687, CA deleted on the plus strand (TG on the coding strand, the reverse complement: SACS is on the minus strand). VCF-style (leftmost placement, unchanged base first): chr13-23335685-GCA-G. GRCh37 (hg19) VCF-style: chr13-23909824-GCA-G.
Other names: c.7748_7749del, p.Leu2583fs (NM_001278055.2); short protein forms L2583fs, L2730fs.
Identifiers: ClinVar variation 2777989 (VCV002777989.3), dbSNP rs2542221672, ClinGen allele CA2622328990.